The following is an entry in ClinVar:

ClinVar aggregate classification (germline): Uncertain significance (1 of 4 stars; one submission).

Allele frequency attached by ClinVar (database versions not stated): TOPMed below 0.00001; gnomAD 0.00001.
gnomAD v4.1: 1 of 1,613,936 alleles (0.000062%); highest among the groups gnomAD compares: Non-Finnish European, 0.000085%; no homozygotes.

Submission:

Labcorp Genetics (formerly Invitae), Labcorp
Classification: Uncertain significance. Last evaluated: 2022-06-22. Review status: criteria provided, single submitter. Criteria: Invitae Variant Classification Sherloc (09022015). Collection method: clinical testing. Allele origin: germline.
Comment: This variant is not present in population databases (gnomAD no frequency). This sequence change replaces glycine, which is neutral and non-polar, with aspartic acid, which is acidic and polar, at codon 2277 of the VPS13C protein (p.Gly2277Asp). This variant has not been reported in the literature in individuals affected with VPS13C-related conditions. Algorithms developed to predict the effect of missense changes on protein structure and function (SIFT, PolyPhen-2, Align-GVGD) all suggest that this variant is likely to be tolerated. In summary, the available evidence is currently insufficient to determine the role of this variant in disease. Therefore, it has been classified as a Variant of Uncertain Significance.

NM_020821.3(VPS13C):c.6830G>A (p.Gly2277Asp)

Gene: VPS13C (vacuolar protein sorting 13 homolog C; minus strand). Cytogenetic location: 15q22.2.
Variant type: single nucleotide variant.
Coding change: c.6830G>A on transcript NM_020821.3 (MANE Select); coding-DNA position 6830, G replaced by A.
Protein change: p.Gly2277Asp; replaces glycine 2277 with aspartic acid.
Molecular consequence: missense variant.
Genome position (GRCh38, 1-based): chr15:61,922,542, C>T on the plus strand (G>A on the coding strand, the complement: VPS13C is on the minus strand). VCF-style: chr15-61922542-C-T. GRCh37 (hg19) VCF-style: chr15-62214741-C-T.
Other names: c.6830G>A, p.Gly2277Asp (NM_001018088.3); c.6701G>A, p.Gly2234Asp (NM_017684.5, NM_018080.4); short protein forms G2277D, G2234D.
Identifiers: ClinVar variation 1978552 (VCV001978552.4), dbSNP rs1414078010, ClinGen allele CA392685557.